The following is an entry in ClinVar:

NM_002878.4(RAD51D):c.264-5A>G

Genes: RAD51D (RAD51 paralog D; minus strand), RAD51L3-RFFL (RAD51L3-RFFL readthrough; minus strand). Cytogenetic location: 17q12.
Variant type: single nucleotide variant.
Coding change: c.264-5A>G on transcript NM_002878.4 (MANE Select); 5 bases into the intron before coding-DNA position 264, A replaced by G.
Molecular consequence: intron variant.
Genome position (GRCh38, 1-based): chr17:35,107,452, T>C on the plus strand (A>G on the coding strand, the complement: RAD51D is on the minus strand). VCF-style: chr17-35107452-T-C. GRCh37 (hg19) VCF-style: chr17-33434471-T-C.
Other names: c.145-971A>G (NM_133629.3); c.324-5A>G (NM_001142571.2).
Identifiers: ClinVar variation 919439 (VCV000919439.17), dbSNP rs1169894160, ClinGen allele CA728359067.

ClinVar aggregate classification (germline): Conflicting classifications of pathogenicity. Review status: criteria provided, conflicting classifications (1 of 4 stars). 4 submissions from 4 submitters: Uncertain significance (1); Likely benign (3). Last evaluated 2025-02-20.

Conditions:
Breast-ovarian cancer, familial, susceptibility to, 4. Identifiers: Orphanet 145, MedGen C3280345, MONDO:0013669, OMIM 614291.
Hereditary cancer-predisposing syndrome. Also called: Neoplastic Syndromes, Hereditary; Tumor predisposition; Hereditary Cancer Syndrome; Hereditary neoplastic syndrome. Identifiers: Orphanet 140162, MedGen C0027672, MeSH D009386, MONDO:0015356.

Allele frequency attached by ClinVar (database versions not stated): TOPMed 0.00001.
gnomAD v4.1: 1 of 1,534,830 alleles (0.000065%); no homozygotes.

Submissions (4):

Myriad Genetics, Inc.
Classification: Likely benign for Breast-ovarian cancer, familial, susceptibility to, 4. Last evaluated: 2025-02-20. Review status: criteria provided, single submitter. Criteria: Myriad Autosomal Dominant, Autosomal Recessive and X-Linked Classification Criteria (2023). Collection method: clinical testing. Allele origin: unknown.
Comment: This variant is considered likely benign. This variant is intronic and is not expected to impact mRNA splicing.

Ambry Genetics
Classification: Uncertain significance for Hereditary cancer-predisposing syndrome. Last evaluated: 2024-08-27. Review status: criteria provided, single submitter. Criteria: Ambry Variant Classification Scheme 2023. Collection method: clinical testing. Allele origin: germline.
Comment: The c.264-5A>G intronic variant results from an A to G substitution 5 nucleotides upstream from coding exon 4 in the RAD51D gene. This nucleotide position is not well conserved in available vertebrate species. In silico splice site analysis predicts that this alteration will not have any significant effect on splicing. Based on the available evidence, the clinical significance of this variant remains unclear.

Labcorp Genetics (formerly Invitae), Labcorp
Classification: Likely benign for Breast-ovarian cancer, familial, susceptibility to, 4. Last evaluated: 2023-09-26. Review status: criteria provided, single submitter. Criteria: Invitae Variant Classification Sherloc (09022015). Collection method: clinical testing. Allele origin: germline.

Color Diagnostics, LLC DBA Color Health
Classification: Likely benign for Hereditary cancer-predisposing syndrome. Last evaluated: 2022-10-10. Review status: criteria provided, single submitter. Criteria: ACMG Guidelines, 2015. Collection method: clinical testing. Allele origin: germline.